The following is an entry in ClinVar:

ClinVar aggregate classification (germline): Uncertain significance. Review status: criteria provided, multiple submitters, no conflicts (2 of 4 stars). 2 submissions from 2 submitters: Uncertain significance (2). Last evaluated 2023-06-12.

Conditions:
Mitochondrial complex II deficiency, nuclear type 1. Also called: SUCCINATE CoQ REDUCTASE DEFICIENCY. Identifiers: Orphanet 3208, MedGen C5700310, MONDO:0100294, OMIM 252011.
Pheochromocytoma/paraganglioma syndrome 5. Also called: Paragangliomas 5; SDHA-Related Hereditary Paraganglioma-Pheochromocytoma Syndrome. Identifiers: Orphanet 29072, MedGen C3279992, MONDO:0013602, OMIM 614165.
Hereditary cancer-predisposing syndrome. Also called: Tumor predisposition; Hereditary Cancer Syndrome; Hereditary neoplastic syndrome; Neoplastic Syndromes, Hereditary. Identifiers: Orphanet 140162, MedGen C0027672, MeSH D009386, MONDO:0015356.

Allele frequency attached by ClinVar (database versions not stated): gnomAD exomes below 0.00001.
gnomAD v4.1: 3 of 1,612,024 alleles (0.00019%); highest among the groups gnomAD compares: Non-Finnish European, 0.00025%; no homozygotes.

Submissions (2):

Labcorp Genetics (formerly Invitae), Labcorp
Classification: Uncertain significance for Pheochromocytoma/paraganglioma syndrome 5; Mitochondrial complex II deficiency, nuclear type 1. Last evaluated: 2023-06-12. Review status: criteria provided, single submitter. Criteria: Invitae Variant Classification Sherloc (09022015). Collection method: clinical testing. Allele origin: germline.
Comment: This sequence change replaces glycine, which is neutral and non-polar, with alanine, which is neutral and non-polar, at codon 537 of the SDHA protein (p.Gly537Ala). This variant is not present in population databases (gnomAD no frequency). This variant has not been reported in the literature in individuals affected with SDHA-related conditions. ClinVar contains an entry for this variant (Variation ID: 1776384). Advanced modeling of protein sequence and biophysical properties (such as structural, functional, and spatial information, amino acid conservation, physicochemical variation, residue mobility, and thermodynamic stability) performed at Invitae indicates that this missense variant is not expected to disrupt SDHA protein function. In summary, the available evidence is currently insufficient to determine the role of this variant in disease. Therefore, it has been classified as a Variant of Uncertain Significance.

Ambry Genetics
Classification: Uncertain significance for Hereditary cancer-predisposing syndrome. Last evaluated: 2022-10-27. Review status: criteria provided, single submitter. Criteria: Ambry Variant Classification Scheme 2023. Collection method: clinical testing. Allele origin: germline.
Comment: The p.G537A variant (also known as c.1610G>C), located in coding exon 12 of the SDHA gene, results from a G to C substitution at nucleotide position 1610. The glycine at codon 537 is replaced by alanine, an amino acid with similar properties. This amino acid position is conserved. In addition, this alteration is predicted to be tolerated by in silico analysis. Since supporting evidence is limited at this time, the clinical significance of this alteration remains unclear.

NM_004168.4(SDHA):c.1610G>C (p.Gly537Ala)

Gene: SDHA (succinate dehydrogenase complex flavoprotein subunit A; plus strand). Cytogenetic location: 5p15.33.
Variant type: single nucleotide variant.
Coding change: c.1610G>C on transcript NM_004168.4 (MANE Select); coding-DNA position 1610, G replaced by C.
Protein change: p.Gly537Ala; replaces glycine 537 with alanine.
Molecular consequence: missense variant. On other transcripts: intron variant (1).
Genome position (GRCh38, 1-based): chr5:251,050, G>C. VCF-style: chr5-251050-G-C. GRCh37 (hg19) VCF-style: chr5-251165-G-C.
Other names: c.1466G>C, p.Gly489Ala (NM_001294332.2); c.1552-3343G>C (NM_001330758.2); short protein forms G537A, G489A.
Identifiers: ClinVar variation 1776384 (VCV001776384.5), dbSNP rs1192321920, ClinGen allele CA358998574.